The following is an entry in ClinVar:

ClinVar aggregate classification (germline): Uncertain significance. Review status: criteria provided, multiple submitters, no conflicts (2 of 4 stars). 3 submissions from 3 submitters: Uncertain significance (3). Last evaluated 2023-05-12.

Allele frequency attached by ClinVar (database versions not stated): gnomAD exomes below 0.00001; TOPMed below 0.00001; gnomAD 0.00001.
gnomAD v4.1: 3 of 1,136,566 alleles (0.00026%); highest among the groups gnomAD compares: Middle Eastern, 0.021%; no homozygotes.

Submissions (3):

GeneDx
Classification: Uncertain significance. Last evaluated: 2023-05-12. Review status: criteria provided, single submitter. Criteria: GeneDx Variant Classification Process June 2021. Collection method: clinical testing. Allele origin: germline. Affected: yes.
Comment: Not observed at significant frequency in large population cohorts (gnomAD); In silico analysis supports that this missense variant does not alter protein structure/function; Has not been previously published as pathogenic or benign to our knowledge

Genetic Services Laboratory, University of Chicago
Classification: Uncertain significance. Last evaluated: 2023-03-31. Review status: criteria provided, single submitter. Criteria: ACMG Guidelines, 2015. Collection method: clinical testing. Allele origin: germline. Affected: no.
Comment: DNA sequence analysis of the CEP290 gene demonstrated a sequence change, c.255T>A, in exon 5 that results in an amino acid change, p.Asn85Lys. The p.Asn85Lys change affects a moderately conserved amino acid residue located in a domain of the CEP290 protein that is not known to be functional. The p.Asn85Lys substitution appears to be benign using several in-silico pathogenicity prediction tools (SIFT, PolyPhen2, Align GVGD, REVEL). This sequence change does not appear to have been previously described in individuals with CEP290-related disorders. Allele frequency data from population databases such as gnomAD may not be reliable for this sequence change. Due to insufficient evidences and the lack of functional studies, the clinical significance of the p.Asn85Lys change remains unknown at this time.

Blueprint Genetics
Classification: Uncertain significance. Last evaluated: 2019-10-28. Review status: criteria provided, single submitter. Criteria: ACMG Guidelines, 2015. Collection method: clinical testing. Allele origin: germline.

NM_025114.4(CEP290):c.255T>A (p.Asn85Lys)

Gene: CEP290 (centrosomal protein 290; minus strand). Cytogenetic location: 12q21.32.
Variant type: single nucleotide variant.
Coding change: c.255T>A on transcript NM_025114.4 (MANE Select); coding-DNA position 255, T replaced by A.
Protein change: p.Asn85Lys; replaces asparagine 85 with lysine.
Molecular consequence: missense variant.
Genome position (GRCh38, 1-based): chr12:88,139,187, A>T on the plus strand (T>A on the coding strand, the complement: CEP290 is on the minus strand). VCF-style: chr12-88139187-A-T. GRCh37 (hg19) VCF-style: chr12-88532964-A-T.
Other names: short protein forms N85K.
Identifiers: ClinVar variation 2663265 (VCV002663265.4), dbSNP rs1490527042, ClinGen allele CA385988900.